The following is an entry in ClinVar:

NM_005055.5(RAPSN):c.1143T>C (p.Pro381=)

Gene: RAPSN (receptor associated protein of the synapse; minus strand). Cytogenetic location: 11p11.2.
Variant type: single nucleotide variant.
Coding change: c.1143T>C on transcript NM_005055.5 (MANE Select); coding-DNA position 1143, T replaced by C.
Protein change: p.Pro381=; no amino-acid change (proline 381 retained).
Molecular consequence: synonymous variant.
Genome position (GRCh38, 1-based): chr11:47,438,755, A>G on the plus strand (T>C on the coding strand, the complement: RAPSN is on the minus strand). VCF-style: chr11-47438755-A-G. GRCh37 (hg19) VCF-style: chr11-47460306-A-G.
Other names: p.Pro381=; c.966T>C, p.Pro322= (NM_032645.5).
Identifiers: ClinVar variation 130089 (VCV000130089.31), dbSNP rs7126210, ClinGen allele CA154872.
Genomic context (GRCh38, chr11:47,438,755, plus strand): 5'-CCTGCCCACCCCTGTCCACCCCCCCAGGAGCCCCCACCTGAGGTGGAAGATGTGGGAGCA[A>G]GGTAGGGCCTGCAGCCGGCTGTTCTTCTCGCCTATGGACTCGCCGCACAGGCCGCAGTAG-3'
Protein context (NP_005046.2, residues 371-391): GEKNSRLQAL[Pro381=]CSHIFHLRCL

ClinVar aggregate classification (germline): Benign. Review status: criteria provided, multiple submitters, no conflicts (2 of 4 stars). 15 submissions from 13 submitters: Benign (11). 4 of the submissions do not count toward it. Last evaluated 2026-06-12.

Conditions:
Fetal akinesia deformation sequence 2. Identifiers: MedGen C4760576, MONDO:0100102, OMIM 618388.
Fetal akinesia deformation sequence 1 (FADS1). Also called: Pena-Shokeir syndrome type I; Fetal akinesia sequence. Identifiers: Orphanet 994, MedGen C1276035, MONDO:0100101, OMIM 208150, HP:0001989.
Congenital myasthenic syndrome 11. Also called: MYASTHENIC SYNDROME, CONGENITAL, Ie; Myasthenic syndrome, congenital, 11, associated with acetylcholine receptor deficiency. Identifiers: Orphanet 590, MedGen C4225367, MONDO:0014588, OMIM 616326.
Congenital myasthenic syndrome (CMS). Also called: Congenital Myasthenic Syndromes. Identifiers: Orphanet 590, MedGen C0751882, MeSH D020294, MONDO:0018940.

Allele frequency attached by ClinVar (database versions not stated): ESP Exome Variant Server 0.61231; gnomAD 0.61595 and 0.62240; TOPMed 0.61699; 1000 Genomes Project 30x 0.61852; 1000 Genomes Project 0.62480; gnomAD exomes 0.66444 and 0.70259; ExAC 0.68373.

Submissions (15):

Women's Health and Genetics/Laboratory Corporation of America, LabCorp
Classification: Benign. Last evaluated: 2026-06-12. Review status: criteria provided, single submitter. Criteria: LabCorp Variant Classification Summary - May 2015. Collection method: clinical testing. Allele origin: germline.

Labcorp Genetics (formerly Invitae), Labcorp
Classification: Benign for Congenital myasthenic syndrome 11; Fetal akinesia deformation sequence 1. Last evaluated: 2026-02-04. Review status: criteria provided, single submitter. Criteria: Invitae Variant Classification Sherloc (09022015). Collection method: clinical testing. Allele origin: germline.

Blueprint Genetics
Classification: Benign. Last evaluated: 2024-11-27. Review status: criteria provided, single submitter. Criteria: ACMG Guidelines, 2015. Collection method: clinical testing. Allele origin: germline.

Genome-Nilou Lab
Classification: Benign for Fetal akinesia deformation sequence 2. Last evaluated: 2021-07-10. Review status: criteria provided, single submitter. Criteria: ACMG Guidelines, 2015. Collection method: clinical testing. Allele origin: germline. Affected: no.

Genome-Nilou Lab
Classification: Benign for Congenital myasthenic syndrome 11. Last evaluated: 2021-07-10. Review status: criteria provided, single submitter. Criteria: ACMG Guidelines, 2015. Collection method: clinical testing. Allele origin: germline. Affected: no.

Illumina Laboratory Services, Illumina
Classification: Benign for Congenital myasthenic syndrome 11. Last evaluated: 2018-01-12. Review status: criteria provided, single submitter. Criteria: ICSL Variant Classification Criteria 13 December 2019. Collection method: clinical testing. Allele origin: germline.
Comment: This variant was observed in the ICSL laboratory as part of a predisposition screen in an ostensibly healthy population. It had not been previously curated by ICSL or reported in the Human Gene Mutation Database (HGMD: prior to June 1st, 2018), and was therefore a candidate for classification through an automated scoring system. Utilizing variant allele frequency, disease prevalence and penetrance estimates, and inheritance mode, an automated score was calculated to assess if this variant is too frequent to cause the disease. Based on the score and internal cut-off values, a variant classified as benign is not then subjected to further curation. The score for this variant resulted in a classification of benign for this disease.

Illumina Laboratory Services, Illumina
Classification: Benign for Fetal akinesia deformation sequence 1. Last evaluated: 2018-01-12. Review status: criteria provided, single submitter. Criteria: ICSL Variant Classification Criteria 13 December 2019. Collection method: clinical testing. Allele origin: germline.
Comment: the same text as in the submission from Illumina Laboratory Services, Illumina above.

Mayo Clinic Laboratories, Mayo Clinic
Classification: Benign. Last evaluated: 2017-07-18. Review status: criteria provided, single submitter. Criteria: ACMG Guidelines, 2015. Collection method: clinical testing. Allele origin: germline. Observed: 397 variant alleles.

GeneDx
Classification: Benign. Last evaluated: 2016-01-19. Review status: criteria provided, single submitter. Criteria: GeneDx Variant Classification (06012015). Collection method: clinical testing. Allele origin: germline. Affected: yes.
Comment: This variant is considered likely benign or benign based on one or more of the following criteria: it is a conservative change, it occurs at a poorly conserved position in the protein, it is predicted to be benign by multiple in silico algorithms, and/or has population frequency not consistent with disease.

Breakthrough Genomics
Classification: Benign. Review status: criteria provided, single submitter. Criteria: ACMG Guidelines, 2015. Collection method: not provided. Allele origin: germline. Inheritance: Autosomal recessive inheritance. Affected: yes.

PreventionGenetics, part of Exact Sciences
Classification: Benign. Review status: criteria provided, single submitter. Criteria: ACMG Guidelines, 2015. Collection method: clinical testing. Allele origin: germline.

Natera, Inc.
Classification: Benign for Congenital myasthenic syndrome. Last evaluated: 2020-09-16. Review status: no assertion criteria provided. Collection method: clinical testing. Allele origin: germline. Not counted in ClinVar's aggregate classification.

Diagnostic Laboratory, Department of Genetics, University Medical Center Groningen
Classification: Benign. Review status: no assertion criteria provided. Collection method: clinical testing. Allele origin: germline. Affected: yes. Study: VKGL Data-share Consensus. Not counted in ClinVar's aggregate classification.

Genetic Services Laboratory, University of Chicago
Classification: Likely benign for AllHighlyPenetrant. Review status: no assertion criteria provided. Collection method: clinical testing. Allele origin: germline. Inheritance: Autosomal recessive inheritance. Not counted in ClinVar's aggregate classification.
Comment: Likely benign based on allele frequency in 1000 Genomes Project or ESP global frequency and its presence in a patient with a rare or unrelated disease phenotype. NOT Sanger confirmed.

Joint Genome Diagnostic Labs from Nijmegen and Maastricht, Radboudumc and MUMC+
Classification: Benign. Review status: no assertion criteria provided. Collection method: clinical testing. Allele origin: germline. Affected: yes. Study: VKGL Data-share Consensus. Not counted in ClinVar's aggregate classification.